The following is an entry in ClinVar:

ClinVar aggregate classification (germline): Likely benign (1 of 4 stars; one submission).

gnomAD v4.1: 3 of 1,614,096 alleles (0.00019%); highest among the groups gnomAD compares: East Asian, 0.0022%; no homozygotes.

Submission:

CeGaT Center for Human Genetics Tuebingen
Classification: Likely benign. Last evaluated: 2025-07-01. Review status: criteria provided, single submitter. Criteria: CeGaT Center For Human Genetics Tuebingen Variant Classification Criteria Version 2. Collection method: clinical testing. Allele origin: germline. Affected: yes. Observed: 1 variant allele.
Comment: TIMM22: BP4, BP7

NM_013337.4(TIMM22):c.294G>A (p.Val98=)

Gene: TIMM22 (translocase of inner mitochondrial membrane 22; plus strand). Cytogenetic location: 17p13.3.
Variant type: single nucleotide variant.
Coding change: c.294G>A on transcript NM_013337.4 (MANE Select); coding-DNA position 294, G replaced by A.
Protein change: p.Val98=; no amino-acid change (valine 98 retained).
Molecular consequence: synonymous variant.
Genome position (GRCh38, 1-based): chr17:998,834, G>A. VCF-style: chr17-998834-G-A. GRCh37 (hg19) VCF-style: chr17-902074-G-A.
Identifiers: ClinVar variation 4084132 (VCV004084132.8).